The following is an entry in ClinVar:

ClinVar aggregate classification (germline): Uncertain significance (1 of 4 stars; one submission).

Allele frequency attached by ClinVar (database versions not stated): gnomAD exomes below 0.00001.
gnomAD v4.1: 1 of 1,613,528 alleles (0.000062%); highest among the groups gnomAD compares: Non-Finnish European, 0.000085%; no homozygotes.

Submission:

Labcorp Genetics (formerly Invitae), Labcorp
Classification: Uncertain significance. Last evaluated: 2021-08-09. Review status: criteria provided, single submitter. Criteria: Invitae Variant Classification Sherloc (09022015). Collection method: clinical testing. Allele origin: germline.
Comment: In summary, the available evidence is currently insufficient to determine the role of this variant in disease. Therefore, it has been classified as a Variant of Uncertain Significance. Algorithms developed to predict the effect of missense changes on protein structure and function output the following: SIFT: "Tolerated"; PolyPhen-2: "Benign"; Align-GVGD: "Class C0". The valine amino acid residue is found in multiple mammalian species, which suggests that this missense change does not adversely affect protein function. This variant has not been reported in the literature in individuals affected with RAI1-related conditions. This variant is not present in population databases (ExAC no frequency). This sequence change replaces isoleucine with valine at codon 1155 of the RAI1 protein (p.Ile1155Val). The isoleucine residue is weakly conserved and there is a small physicochemical difference between isoleucine and valine.

NM_030665.4(RAI1):c.3463A>G (p.Ile1155Val)

Gene: RAI1 (retinoic acid induced 1; plus strand). Cytogenetic location: 17p11.2.
Variant type: single nucleotide variant.
Coding change: c.3463A>G on transcript NM_030665.4 (MANE Select); coding-DNA position 3463, A replaced by G.
Protein change: p.Ile1155Val; replaces isoleucine 1155 with valine.
Molecular consequence: missense variant.
Genome position (GRCh38, 1-based): chr17:17,796,411, A>G. VCF-style: chr17-17796411-A-G. GRCh37 (hg19) VCF-style: chr17-17699725-A-G.
Other names: short protein forms I1155V.
Identifiers: ClinVar variation 1373748 (VCV001373748.6), dbSNP rs2143002667, ClinGen allele CA398553845.